The following is an entry in ClinVar:

NM_017514.5(PLXNA3):c.120G>T (p.Arg40=)

Gene: PLXNA3 (plexin A3; plus strand). Cytogenetic location: Xq28.
Variant type: single nucleotide variant.
Coding change: c.120G>T on transcript NM_017514.5 (MANE Select); coding-DNA position 120, G replaced by T.
Protein change: p.Arg40=; no amino-acid change (arginine 40 retained).
Molecular consequence: synonymous variant.
Genome position (GRCh38, 1-based): chrX:154,460,303, G>T. VCF-style: chrX-154460303-G-T. GRCh37 (hg19) VCF-style: chrX-153688643-G-T.
Identifiers: ClinVar variation 5000876 (VCV005000876.1).
Genomic context (GRCh38, chrX:154,460,303, plus strand): 5'-CAGGCCCTTCCGTGCCTTCGTGGTGACAGACACCACGCTTACCCACCTGGCTGTGCACCG[G>T]GTGACTGGGGAGGTGTTCGTGGGCGCAGTGAACCGAGTCTTTAAGCTGGCCCCCAACCTG-3'
Protein context (NP_059984.3, residues 30-50): DTTLTHLAVH[Arg40=]VTGEVFVGAV

ClinVar aggregate classification (germline): Likely benign (1 of 4 stars; one submission).

Conditions:
PLXNA3-related disorder. Also called: PLXNA3-related condition.

gnomAD v4.1: 2 of 1,208,809 alleles (0.00017%); highest among the groups gnomAD compares: African/African-American, 0.0035%; no homozygotes.

Submission:

PreventionGenetics, part of Exact Sciences
Classification: Likely benign for PLXNA3-related condition. Last evaluated: 2025-04-25. Review status: criteria provided, single submitter. Criteria: ACMG Guidelines, 2015. Collection method: clinical testing. Allele origin: germline.
Comment: This variant is classified as likely benign based on ACMG/AMP sequence variant interpretation guidelines (Richards et al. 2015 PMID: 25741868, with internal and published modifications).